The following is an entry in ClinVar:

NM_004656.4(BAP1):c.376-10T>C

Gene: BAP1 (BRCA1 associated deubiquitinase 1; minus strand). Cytogenetic location: 3p21.1.
Variant type: single nucleotide variant.
Coding change: c.376-10T>C on transcript NM_004656.4 (MANE Select); 10 bases into the intron before coding-DNA position 376, T replaced by C.
Molecular consequence: intron variant.
Genome position (GRCh38, 1-based): chr3:52,407,470, A>G on the plus strand (T>C on the coding strand, the complement: BAP1 is on the minus strand). VCF-style: chr3-52407470-A-G. GRCh37 (hg19) VCF-style: chr3-52441486-A-G.
Identifiers: ClinVar variation 1557465 (VCV001557465.9), dbSNP rs745849535, ClinGen allele CA2437097.

ClinVar aggregate classification (germline): Likely benign. Review status: criteria provided, multiple submitters, no conflicts (2 of 4 stars). 2 submissions from 2 submitters: Likely benign (2). Last evaluated 2025-11-10.

Conditions:
BAP1-related tumor predisposition syndrome (TPDS1). Also called: Tumor susceptibility linked to germline BAP1 mutations; BAP1 tumor predisposition syndrome; COMMON Syndrome; TUMOR PREDISPOSITION SYNDROME 1. Identifiers: Orphanet 289539, MedGen C3280492, MONDO:0013692, OMIM 614327.

Allele frequency attached by ClinVar (database versions not stated): ExAC 0.00001; gnomAD exomes below 0.00001.

Submissions (2):

Labcorp Genetics (formerly Invitae), Labcorp
Classification: Likely benign for BAP1-related tumor predisposition syndrome. Last evaluated: 2025-11-10. Review status: criteria provided, single submitter. Criteria: Invitae Variant Classification Sherloc (09022015). Collection method: clinical testing. Allele origin: germline.

Myriad Genetics, Inc.
Classification: Likely benign for BAP1-related tumor predisposition syndrome. Last evaluated: 2024-07-12. Review status: criteria provided, single submitter. Criteria: Myriad Autosomal Dominant, Autosomal Recessive and X-Linked Classification Criteria (2023). Collection method: clinical testing. Allele origin: unknown.
Comment: This variant is considered likely benign. This variant is intronic and is not expected to impact mRNA splicing.